The following is an entry in ClinVar:

ClinVar aggregate classification (germline): Uncertain significance (1 of 4 stars; one submission).

Allele frequency attached by ClinVar (database versions not stated): gnomAD exomes below 0.00001; ExAC 0.00001.
gnomAD v4.1: 2 of 1,614,020 alleles (0.00012%); highest among the groups gnomAD compares: Non-Finnish European, 0.00017%; no homozygotes.

Submission:

Labcorp Genetics (formerly Invitae), Labcorp
Classification: Uncertain significance. Last evaluated: 2022-08-09. Review status: criteria provided, single submitter. Criteria: Invitae Variant Classification Sherloc (09022015). Collection method: clinical testing. Allele origin: germline.
Comment: This variant is not present in population databases (gnomAD no frequency). In summary, the available evidence is currently insufficient to determine the role of this variant in disease. Therefore, it has been classified as a Variant of Uncertain Significance. Variants that disrupt the consensus splice site are a relatively common cause of aberrant splicing (PMID: 17576681, 9536098). Algorithms developed to predict the effect of sequence changes on RNA splicing suggest that this variant is not likely to affect RNA splicing. ClinVar contains an entry for this variant (Variation ID: 1516741). This variant has not been reported in the literature in individuals affected with MYO5B-related conditions. This sequence change falls in intron 38 of the MYO5B gene. It does not directly change the encoded amino acid sequence of the MYO5B protein. It affects a nucleotide within the consensus splice site.

Literature cited by the submitters: PubMed 17576681; PubMed 9536098.

NM_001080467.3(MYO5B):c.5313+4C>T

Genes: MYO5B (myosin VB; minus strand), SNHG22 (small nucleolar RNA host gene 22; plus strand). Cytogenetic location: 18q21.1.
Variant type: single nucleotide variant.
Coding change: c.5313+4C>T on transcript NM_001080467.3 (MANE Select); 4 bases into the intron after coding-DNA position 5313, C replaced by T.
Molecular consequence: intron variant.
Genome position (GRCh38, 1-based): chr18:49,836,707, G>A on the plus strand (C>T on the coding strand, the complement: MYO5B is on the minus strand). VCF-style: chr18-49836707-G-A. GRCh37 (hg19) VCF-style: chr18-47363077-G-A.
Identifiers: ClinVar variation 1516741 (VCV001516741.7), dbSNP rs752865338, ClinGen allele CA8960099.